The following is an entry in ClinVar:

ClinVar aggregate classification (germline): Likely benign. Review status: criteria provided, multiple submitters, no conflicts (2 of 4 stars). 2 submissions from 2 submitters: Likely benign (2). Last evaluated 2018-01-13.

Conditions:
Parkinson Disease, Dominant/Recessive.

Allele frequency attached by ClinVar (database versions not stated): 1000 Genomes Project 30x 0.00031; gnomAD 0.00036 and 0.00039; TOPMed 0.00037; gnomAD exomes 0.00039 and 0.00047; 1000 Genomes Project 0.00040; ExAC 0.00044.
gnomAD v4.1: 606 of 1,307,826 alleles (0.046%); highest among the groups gnomAD compares: Middle Eastern, 0.23%; no homozygotes.

Submissions (2):

Illumina Laboratory Services, Illumina
Classification: Likely benign for Parkinson Disease, Dominant/Recessive. Last evaluated: 2018-01-13. Review status: criteria provided, single submitter. Criteria: ICSL Variant Classification Criteria 13 December 2019. Collection method: clinical testing. Allele origin: germline.
Comment: This variant was observed in the ICSL laboratory as part of a predisposition screen in an ostensibly healthy population. It had not been previously curated by ICSL or reported in the Human Gene Mutation Database (HGMD: prior to June 1st, 2018), and was therefore a candidate for classification through an automated scoring system. Utilizing variant allele frequency, disease prevalence and penetrance estimates, and inheritance mode, an automated score was calculated to assess if this variant is too frequent to cause the disease. Based on the score and internal cut-off values, a variant classified as likely benign is not then subjected to further curation. The score for this variant resulted in a classification of likely benign for this disease.

Breakthrough Genomics
Classification: Likely benign. Review status: criteria provided, single submitter. Criteria: ACMG Guidelines, 2015. Collection method: not provided. Allele origin: germline. Inheritance: Unknown mechanism. Affected: yes.

NM_005460.4(SNCAIP):c.*102A>G

Genes: SNCAIP-AS3 (SNCAIP antisense RNA 3; minus strand), SNCAIP (synuclein alpha interacting protein; plus strand). Cytogenetic location: 5q23.2.
Variant type: single nucleotide variant.
Coding change: c.*102A>G on transcript NM_005460.4 (MANE Select); 102 bases downstream of the stop codon, A replaced by G.
Molecular consequence: 3 prime UTR variant. On other transcripts: non-coding transcript variant (2).
Genome position (GRCh38, 1-based): chr5:122,463,598, A>G. VCF-style: chr5-122463598-A-G. GRCh37 (hg19) VCF-style: chr5-121799293-A-G.
Other names: c.*23A>G (NM_001242935.3, NM_001308100.2); c.*102A>G (NM_001308105.1, NM_001308106.1, NM_001308107.2 and 2 more transcripts).
Identifiers: ClinVar variation 350507 (VCV000350507.6), dbSNP rs567026967, ClinGen allele CA3385186.
Genomic context (GRCh38, chr5:122,463,598, plus strand): 5'-ACATTGCTGAGCCAGAGTCAAAAGAACTCTTCTTGTAAATCACTTTTTAAATTTTCTCTC[A>G]CTGATGCCCTTTGGAAATTATTGGAAATTTCTGGACTATCCTCTTTGGAAAGAGAACCAT-3'